The following is an entry in ClinVar:

NM_152743.4(BRAT1):c.1804G>A (p.Val602Ile)

Gene: BRAT1 (BRCA1 associated ATM activator 1; minus strand). Cytogenetic location: 7p22.3.
Variant type: single nucleotide variant.
Coding change: c.1804G>A on transcript NM_152743.4 (MANE Select); coding-DNA position 1804, G replaced by A.
Protein change: p.Val602Ile; replaces valine 602 with isoleucine.
Molecular consequence: missense variant. On other transcripts: non-coding transcript variant (1).
Genome position (GRCh38, 1-based): chr7:2,538,731, C>T on the plus strand (G>A on the coding strand, the complement: BRAT1 is on the minus strand). VCF-style: chr7-2538731-C-T. GRCh37 (hg19) VCF-style: chr7-2578365-C-T.
Other names: c.1984G>A, p.Val662Ile (NM_001350626.2); c.1279G>A, p.Val427Ile (NM_001350627.2); short protein forms V602I, V662I, V427I.
Identifiers: ClinVar variation 540177 (VCV000540177.11), dbSNP rs532881368, ClinGen allele CA4127553.

ClinVar aggregate classification (germline): Conflicting classifications of pathogenicity. Review status: criteria provided, conflicting classifications (1 of 4 stars). 3 submissions from 3 submitters: Uncertain significance (2); Likely benign (1). Last evaluated 2025-12-15.

Conditions:
Neonatal-onset encephalopathy with rigidity and seizures. Also called: Lethal neonatal spasticity-epileptic encephalopathy syndrome. Identifiers: Orphanet 435845, MedGen C3281029, MONDO:0013784, OMIM 614498.
Inborn genetic diseases. Identifiers: MedGen C0950123, MeSH D030342.

Allele frequency attached by ClinVar (database versions not stated): gnomAD 0.00003 and 0.00005; TOPMed 0.00005; gnomAD exomes 0.00010 and 0.00011; ExAC 0.00012; 1000 Genomes Project 30x 0.00016; 1000 Genomes Project 0.00020.
gnomAD v4.1: 156 of 1,598,404 alleles (0.0098%); highest among the groups gnomAD compares: South Asian, 0.058%; no homozygotes.

Submissions (3):

Labcorp Genetics (formerly Invitae), Labcorp
Classification: Likely benign for Neonatal-onset encephalopathy with rigidity and seizures. Last evaluated: 2025-12-15. Review status: criteria provided, single submitter. Criteria: Invitae Variant Classification Sherloc (09022015). Collection method: clinical testing. Allele origin: germline.

GeneDx
Classification: Uncertain significance. Last evaluated: 2023-01-30. Review status: criteria provided, single submitter. Criteria: GeneDx Variant Classification Process June 2021. Collection method: clinical testing. Allele origin: germline. Affected: yes.
Comment: In silico analysis supports that this missense variant does not alter protein structure/function; Has not been previously published as pathogenic or benign to our knowledge

Ambry Genetics
Classification: Uncertain significance for Inborn genetic diseases. Last evaluated: 2021-07-02. Review status: criteria provided, single submitter. Criteria: Ambry Variant Classification Scheme 2023. Collection method: clinical testing. Allele origin: germline.